The following is an entry in ClinVar:

NM_033641.4(COL4A6):c.1359G>T (p.Glu453Asp)

Gene: COL4A6 (collagen type IV alpha 6 chain; minus strand). Cytogenetic location: Xq22.3.
Variant type: single nucleotide variant.
Coding change: c.1359G>T on transcript NM_033641.4 (MANE Select); coding-DNA position 1359, G replaced by T.
Protein change: p.Glu453Asp; replaces glutamic acid 453 with aspartic acid.
Molecular consequence: missense variant.
Genome position (GRCh38, 1-based): chrX:108,190,459, C>A on the plus strand (G>T on the coding strand, the complement: COL4A6 is on the minus strand). VCF-style: chrX-108190459-C-A. GRCh37 (hg19) VCF-style: chrX-107433689-C-A.
Other names: c.1359G>T, p.Glu453Asp (NM_001287758.2, NM_001287759.2, NM_001287760.2); c.1362G>T, p.Glu454Asp (NM_001847.4); c.1362G>T (NM_001847.3); short protein forms E453D, E454D.
Identifiers: ClinVar variation 1435665 (VCV001435665.7), dbSNP rs762620859, ClinGen allele CA10487855.

ClinVar aggregate classification (germline): Uncertain significance. Review status: criteria provided, multiple submitters, no conflicts (2 of 4 stars). 2 submissions from 2 submitters: Uncertain significance (2). Last evaluated 2026-01-14.

Conditions:
COL4A6-related disorder. Also called: COL4A6-related condition.

Allele frequency attached by ClinVar (database versions not stated): TOPMed 0.00002; gnomAD 0.00003; ExAC 0.00005.
gnomAD v4.1: 32 of 1,203,092 alleles (0.0027%); highest among the groups gnomAD compares: South Asian, 0.023%; no homozygotes.

Submissions (2):

Labcorp Genetics (formerly Invitae), Labcorp
Classification: Uncertain significance. Last evaluated: 2026-01-14. Review status: criteria provided, single submitter. Criteria: Invitae Variant Classification Sherloc (09022015). Collection method: clinical testing. Allele origin: germline.
Comment: This sequence change replaces glutamic acid, which is acidic and polar, with aspartic acid, which is acidic and polar, at codon 454 of the COL4A6 protein (p.Glu454Asp). This variant is present in population databases (rs762620859, gnomAD 0.03%). This variant has not been reported in the literature in individuals affected with COL4A6-related conditions. ClinVar contains an entry for this variant (Variation ID: 1435665). An algorithm developed to predict the effect of missense changes on protein structure and function (PolyPhen-2) suggests that this variant is likely to be tolerated. In summary, the available evidence is currently insufficient to determine the role of this variant in disease. Therefore, it has been classified as a Variant of Uncertain Significance.

PreventionGenetics, part of Exact Sciences
Classification: Uncertain significance for COL4A6-related condition. Last evaluated: 2023-01-12. Review status: criteria provided, single submitter. Criteria: ACMG Guidelines, 2015. Collection method: clinical testing. Allele origin: germline.
Comment: The COL4A6 c.1362G>T variant is predicted to result in the amino acid substitution p.Glu454Asp. To our knowledge, this variant has not been reported in the literature. This variant is reported in 0.033% of alleles in individuals of South Asian descent in gnomAD. Although we suspect that this variant may be benign, at this time, the clinical significance of this variant is uncertain due to the absence of conclusive functional and genetic evidence.